The following is an entry in ClinVar:

NM_018076.5(ODAD2):c.2807del (p.Asn936fs)

Gene: ODAD2 (outer dynein arm docking complex subunit 2; minus strand). Cytogenetic location: 10p12.1.
Variant type: Deletion.
Coding change: c.2807del on transcript NM_018076.5 (MANE Select); coding-DNA position 2807, one base deleted (A; older notation c.2807delA).
Protein change: p.Asn936fs; shifts the reading frame from asparagine 936.
Molecular consequence: frameshift variant.
Genome position (GRCh38, 1-based): chr10:27,860,839, T deleted on the plus strand (A on the coding strand, the reverse complement: ODAD2 is on the minus strand); the first of 2 consecutive T bases (chr10:27,860,839-27,860,840); deleting either gives the same sequence. VCF-style (leftmost placement, unchanged base first): chr10-27860838-AT-A. GRCh37 (hg19) VCF-style: chr10-28149767-AT-A.
Other names: c.2807del, p.Asn936fs (NM_001290020.2); c.1382del, p.Asn461fs (NM_001290021.2); c.1883del, p.Asn628fs (NM_001312689.2); short protein forms N628fs, N461fs, N936fs.
Identifiers: ClinVar variation 2083091 (VCV002083091.4), dbSNP rs753602333, ClinGen allele CA5453092.

ClinVar aggregate classification (germline): Pathogenic (1 of 4 stars; one submission).

Conditions:
Primary ciliary dyskinesia 23 (CILD23). Also called: CILIARY DYSKINESIA, PRIMARY, 23, WITH OR WITHOUT SITUS INVERSUS. Identifiers: Orphanet 244, MedGen C3809548, MONDO:0014193, OMIM 615451.

Submission:

Labcorp Genetics (formerly Invitae), Labcorp
Classification: Pathogenic for Primary ciliary dyskinesia 23. Last evaluated: 2023-05-15. Review status: criteria provided, single submitter. Criteria: Invitae Variant Classification Sherloc (09022015). Collection method: clinical testing. Allele origin: germline.
Comment: For these reasons, this variant has been classified as Pathogenic. ClinVar contains an entry for this variant (Variation ID: 2083091). This variant has not been reported in the literature in individuals affected with ARMC4-related conditions. This variant is present in population databases (rs753602333, gnomAD 0.03%). This sequence change creates a premature translational stop signal (p.Asn936Ilefs*3) in the ARMC4 gene. It is expected to result in an absent or disrupted protein product. Loss-of-function variants in ARMC4 are known to be pathogenic (PMID: 23849778).

Literature cited by the submitters: PubMed 23849778.